The following is an entry in ClinVar:

ClinVar aggregate classification (germline): Likely benign (1 of 4 stars; one submission).

Submission:

CeGaT Center for Human Genetics Tuebingen
Classification: Likely benign. Last evaluated: 2025-11-01. Review status: criteria provided, single submitter. Criteria: CeGaT Center For Human Genetics Tuebingen Variant Classification Criteria Version 2. Collection method: clinical testing. Allele origin: germline. Affected: yes. Observed: 1 variant allele.
Comment: TTI1: PM2:Supporting, BP4, BP7

NM_001303457.2(TTI1):c.2841G>A (p.Arg947=)

Gene: TTI1 (TELO2 interacting protein 1; minus strand). Cytogenetic location: 20q11.23.
Variant type: single nucleotide variant.
Coding change: c.2841G>A on transcript NM_001303457.2 (MANE Select); coding-DNA position 2841, G replaced by A.
Protein change: p.Arg947=; no amino-acid change (arginine 947 retained).
Molecular consequence: synonymous variant.
Genome position (GRCh38, 1-based): chr20:37,996,906, C>T on the plus strand (G>A on the coding strand, the complement: TTI1 is on the minus strand). VCF-style: chr20-37996906-C-T. GRCh37 (hg19) VCF-style: chr20-36625308-C-T.
Other names: c.2841G>A, p.Arg947= (NM_014657.3).
Identifiers: ClinVar variation 4535170 (VCV004535170.6).
Genomic context (GRCh38, chr20:37,996,906, plus strand): 5'-ACTGATGGGGGCCTGGGTGACTAGGGAGCCAGCCAGCTTTGGCAGGACATCTTTGCAGAA[C>T]CGGCTGCGAAGAAAGTCACCACACTTGCTTCCCAGGGTACGTAAAACCTGCAGAAACAGC-3'
Protein context (NP_001290386.1, residues 937-957): GSKCGDFLRS[Arg947=]FCKDVLPKLA